The following is an entry in ClinVar:

NM_001276270.2(MBD4):c.373G>A (p.Ala125Thr)

Gene: MBD4 (methyl-CpG binding domain 4, DNA glycosylase; minus strand). Cytogenetic location: 3q21.3.
Variant type: single nucleotide variant.
Coding change: c.373G>A on transcript NM_001276270.2 (MANE Select); coding-DNA position 373, G replaced by A.
Protein change: p.Ala125Thr; replaces alanine 125 with threonine.
Molecular consequence: missense variant. On other transcripts: intron variant (1).
Genome position (GRCh38, 1-based): chr3:129,437,271, C>T on the plus strand (G>A on the coding strand, the complement: MBD4 is on the minus strand). VCF-style: chr3-129437271-C-T. GRCh37 (hg19) VCF-style: chr3-129156114-C-T.
Other names: c.373G>A, p.Ala125Thr (NM_001276271.2, NM_001276272.2, NM_003925.3); c.247+537G>A (NM_001276273.2); short protein forms A125T.
Identifiers: ClinVar variation 3726837 (VCV003726837.3).
Genomic context (GRCh38, chr3:129,437,271, plus strand): 5'-CAGTAAAATCAAAATCTTCTGGCTTAAGAGAAGTCTCTCCATTTTTGTGAAGATAATTAG[C>T]AAGTGAACTTTTGGATCTGAACTTCAGTCCTTGTGGGCTAGAAAATGATATTAAAGGAAA-3'
Protein context (NP_001263199.1, residues 115-135): GLKFRSKSSL[Ala125Thr]NYLHKNGETS

ClinVar aggregate classification (germline): Uncertain significance. Review status: criteria provided, multiple submitters, no conflicts (2 of 4 stars). 2 submissions from 2 submitters: Uncertain significance (2). Last evaluated 2025-12-14.

Conditions:
Inborn genetic diseases. Identifiers: MedGen C0950123, MeSH D030342.

Submissions (2):

Ambry Genetics
Classification: Uncertain significance for Inborn genetic diseases. Last evaluated: 2025-12-14. Review status: criteria provided, single submitter. Criteria: Ambry Variant Classification Scheme 2023. Collection method: clinical testing. Allele origin: germline.
Comment: The p.A125T variant (also known as c.373G>A), located in coding exon 3 of the MBD4 gene, results from a G to A substitution at nucleotide position 373. The alanine at codon 125 is replaced by threonine, an amino acid with similar properties. This amino acid position is conserved. In addition, the in silico prediction for this alteration is inconclusive. Based on the available evidence, the clinical significance of this variant remains unclear.

Labcorp Genetics (formerly Invitae), Labcorp
Classification: Uncertain significance. Last evaluated: 2024-12-08. Review status: criteria provided, single submitter. Criteria: Invitae Variant Classification Sherloc (09022015). Collection method: clinical testing. Allele origin: germline.
Comment: This sequence change replaces alanine, which is neutral and non-polar, with threonine, which is neutral and polar, at codon 125 of the MBD4 protein (p.Ala125Thr). This variant is not present in population databases (gnomAD no frequency). This variant has not been reported in the literature in individuals affected with MBD4-related conditions. An algorithm developed to predict the effect of missense changes on protein structure and function outputs the following: PolyPhen-2: "Benign". The threonine amino acid residue is found in multiple mammalian species, which suggests that this missense change does not adversely affect protein function. In summary, the available evidence is currently insufficient to determine the role of this variant in disease. Therefore, it has been classified as a Variant of Uncertain Significance.